The following is an entry in ClinVar:

NM_005628.3(SLC1A5):c.696G>C (p.Leu232=)

Gene: SLC1A5 (solute carrier family 1 member 5; minus strand). Cytogenetic location: 19q13.32.
Variant type: single nucleotide variant.
Coding change: c.696G>C on transcript NM_005628.3 (MANE Select); coding-DNA position 696, G replaced by C.
Protein change: p.Leu232=; no amino-acid change (leucine 232 retained).
Molecular consequence: synonymous variant.
Genome position (GRCh38, 1-based): chr19:46,782,511, C>G on the plus strand (G>C on the coding strand, the complement: SLC1A5 is on the minus strand). VCF-style: chr19-46782511-C-G. GRCh37 (hg19) VCF-style: chr19-47285768-C-G.
Other names: c.12G>C, p.Leu4= (NM_001145144.2); c.90G>C, p.Leu30= (NM_001145145.2).
Identifiers: ClinVar variation 3044568 (VCV003044568.2), dbSNP rs1196092477, ClinGen allele CA507875203.

ClinVar aggregate classification (germline): Likely benign (0 of 4 stars; one submission).

Conditions:
SLC1A5-related disorder. Also called: SLC1A5-related condition.

gnomAD v4.1: 1 of 1,614,002 alleles (0.000062%); highest among the groups gnomAD compares: African/African-American, 0.0013%; no homozygotes.

Submission:

PreventionGenetics, part of Exact Sciences
Classification: Likely benign for SLC1A5-related condition. Last evaluated: 2019-06-03. Review status: no assertion criteria provided. Collection method: clinical testing. Allele origin: germline.
Comment: This variant is classified as likely benign based on ACMG/AMP sequence variant interpretation guidelines (Richards et al. 2015 PMID: 25741868, with internal and published modifications).